The following is an entry in ClinVar:

ClinVar aggregate classification (germline): Uncertain significance. Review status: criteria provided, multiple submitters, no conflicts (2 of 4 stars). 2 submissions from 2 submitters: Uncertain significance (2). Last evaluated 2023-06-14.

Conditions:
Inborn genetic diseases. Identifiers: MedGen C0950123, MeSH D030342.

Allele frequency attached by ClinVar (database versions not stated): gnomAD exomes below 0.00001; TOPMed 0.00001.
gnomAD v4.1: 4 of 1,587,632 alleles (0.00025%); highest among the groups gnomAD compares: African/African-American, 0.004%; no homozygotes.

Submissions (2):

Labcorp Genetics (formerly Invitae), Labcorp
Classification: Uncertain significance. Last evaluated: 2023-06-14. Review status: criteria provided, single submitter. Criteria: Invitae Variant Classification Sherloc (09022015). Collection method: clinical testing. Allele origin: germline.
Comment: An algorithm developed to predict the effect of missense changes on protein structure and function (PolyPhen-2) suggests that this variant is likely to be tolerated. ClinVar contains an entry for this variant (Variation ID: 2324946). This variant has not been reported in the literature in individuals affected with NLRP1-related conditions. The frequency data for this variant in the population databases is considered unreliable, as metrics indicate poor data quality at this position in the gnomAD database. This sequence change replaces alanine, which is neutral and non-polar, with valine, which is neutral and non-polar, at codon 29 of the NLRP1 protein (p.Ala29Val). In summary, the available evidence is currently insufficient to determine the role of this variant in disease. Therefore, it has been classified as a Variant of Uncertain Significance.

Ambry Genetics
Classification: Uncertain significance for Inborn genetic diseases. Last evaluated: 2022-11-09. Review status: criteria provided, single submitter. Criteria: Ambry Variant Classification Scheme 2023. Collection method: clinical testing. Allele origin: germline.

NM_033004.4(NLRP1):c.86C>T (p.Ala29Val)

Genes: NLRP1 (NLR family pyrin domain containing 1; minus strand), LOC126862475 (CDK7 strongly-dependent group 2 enhancer GRCh37_chr17:5487167-5488366; plus strand). Cytogenetic location: 17p13.2.
Variant type: single nucleotide variant.
Coding change: c.86C>T on transcript NM_033004.4 (MANE Select); coding-DNA position 86, C replaced by T.
Protein change: p.Ala29Val; replaces alanine 29 with valine.
Molecular consequence: missense variant.
Genome position (GRCh38, 1-based): chr17:5,583,872, G>A on the plus strand (C>T on the coding strand, the complement: NLRP1 is on the minus strand). VCF-style: chr17-5583872-G-A. GRCh37 (hg19) VCF-style: chr17-5487192-G-A.
Other names: c.86C>T, p.Ala29Val (NM_001033053.3, NM_014922.5, NM_033006.4 and 1 more transcripts); short protein forms A29V.
Identifiers: ClinVar variation 2324946 (VCV002324946.5), dbSNP rs1451762722, ClinGen allele CA397391217.
Genomic context (GRCh38, chr17:5,583,872, plus strand): 5'-CTCGTCTTCTCTGGCTGAGCGGGTGTCTCACCCGAAGAGCTCCTGGAGTGCGCTTTATTG[G>A]CGAGCAGAAGCTGGAACTCCTTCAGCTCCTCCTTCTTCAGGAACTCCAAGTAACAGGCCA-3'
Protein context (NP_127497.1, residues 19-39): EELKEFQLLL[Ala29Val]NKAHSRSSSG